The following is an entry in ClinVar:

NM_001031710.3(KLHL7):c.468A>C (p.Leu156=)

Gene: KLHL7 (kelch like family member 7; plus strand). Cytogenetic location: 7p15.3.
Variant type: single nucleotide variant.
Coding change: c.468A>C on transcript NM_001031710.3 (MANE Select); coding-DNA position 468, A replaced by C.
Protein change: p.Leu156=; no amino-acid change (leucine 156 retained).
Molecular consequence: synonymous variant. On other transcripts: non-coding transcript variant (1).
Genome position (GRCh38, 1-based): chr7:23,140,794, A>C. VCF-style: chr7-23140794-A-C. GRCh37 (hg19) VCF-style: chr7-23180413-A-C.
Other names: c.324A>C, p.Leu108= (NM_018846.5).
Identifiers: ClinVar variation 3348906 (VCV003348906.3).

ClinVar aggregate classification (germline): Likely benign. Review status: criteria provided, single submitter (1 of 4 stars). 2 submissions from 2 submitters: Likely benign (1). 1 of the submissions does not count toward it. Last evaluated 2026-01-29.

Conditions:
KLHL7-related disorder. Also called: KLHL7-related disorders; KLHL7-related condition.

Submissions (2):

Labcorp Genetics (formerly Invitae), Labcorp
Classification: Likely benign. Last evaluated: 2026-01-29. Review status: criteria provided, single submitter. Criteria: Invitae Variant Classification Sherloc (09022015). Collection method: clinical testing. Allele origin: germline.

PreventionGenetics, part of Exact Sciences
Classification: Likely benign for KLHL7-related condition. Last evaluated: 2024-08-01. Review status: no assertion criteria provided. Collection method: clinical testing. Allele origin: germline. Not counted in ClinVar's aggregate classification.
Comment: This variant is classified as likely benign based on ACMG/AMP sequence variant interpretation guidelines (Richards et al. 2015 PMID: 25741868, with internal and published modifications).